The following is an entry in ClinVar:

ClinVar aggregate classification (germline): Conflicting classifications of pathogenicity. Review status: criteria provided, conflicting classifications (1 of 4 stars). 3 submissions from 3 submitters: Uncertain significance (2); Likely benign (1). Last evaluated 2025-11-11.

Conditions:
Cardiovascular phenotype. Identifiers: MedGen CN230736.

Allele frequency attached by ClinVar (database versions not stated): gnomAD exomes below 0.00001; TOPMed 0.00002.
gnomAD v4.1: 6 of 1,613,596 alleles (0.00037%); highest among the groups gnomAD compares: Middle Eastern, 0.016%; no homozygotes.

Submissions (3):

Labcorp Genetics (formerly Invitae), Labcorp
Classification: Uncertain significance. Last evaluated: 2025-11-11. Review status: criteria provided, single submitter. Criteria: Invitae Variant Classification Sherloc (09022015). Collection method: clinical testing. Allele origin: germline.
Comment: This sequence change replaces methionine, which is neutral and non-polar, with leucine, which is neutral and non-polar, at codon 1108 of the ALPK3 protein (p.Met1108Leu). This variant is present in population databases (no rsID available, gnomAD 0.0009%). This variant has not been reported in the literature in individuals affected with ALPK3-related conditions. ClinVar contains an entry for this variant (Variation ID: 1406252). Invitae Evidence Modeling of protein sequence and biophysical properties (such as structural, functional, and spatial information, amino acid conservation, physicochemical variation, residue mobility, and thermodynamic stability) indicates that this missense variant is not expected to disrupt ALPK3 protein function with a negative predictive value of 80%. In summary, the available evidence is currently insufficient to determine the role of this variant in disease. Therefore, it has been classified as a Variant of Uncertain Significance.

Women's Health and Genetics/Laboratory Corporation of America, LabCorp
Classification: Uncertain significance. Last evaluated: 2025-06-26. Review status: criteria provided, single submitter. Criteria: LabCorp Variant Classification Summary - May 2015. Collection method: clinical testing. Allele origin: germline.

Ambry Genetics
Classification: Likely benign for Cardiovascular phenotype. Last evaluated: 2023-05-15. Review status: criteria provided, single submitter. Criteria: Ambry Variant Classification Scheme 2023. Collection method: clinical testing. Allele origin: germline.

NM_020778.5(ALPK3):c.2716A>T (p.Met906Leu)

Gene: ALPK3 (alpha kinase 3; plus strand). Cytogenetic location: 15q25.3.
Variant type: single nucleotide variant.
Coding change: c.2716A>T on transcript NM_020778.5 (MANE Select); coding-DNA position 2716, A replaced by T.
Protein change: p.Met906Leu; replaces methionine 906 with leucine.
Molecular consequence: missense variant.
Genome position (GRCh38, 1-based): chr15:84,857,454, A>T. VCF-style: chr15-84857454-A-T. GRCh37 (hg19) VCF-style: chr15-85400685-A-T.
Other names: c.3322A>T (NM_020778.4); short protein forms M906L.
Identifiers: ClinVar variation 1406252 (VCV001406252.12), dbSNP rs1249860975, ClinGen allele CA393358129.
Genomic context (GRCh38, chr15:84,857,454, plus strand): 5'-ACCCCGACTTCTCAGCACGGGAGCACAGCCACCTTCCTGCCCTCTGAGGATCAGGTCCTG[A>T]TGAGTTCTGCCCCAACACTGCACCTGGGGCTGGGGACCCCCACTCAGAGTCACCCACCAG-3'
Protein context (NP_065829.4, residues 896-916): TFLPSEDQVL[Met906Leu]SSAPTLHLGL